The following is an entry in ClinVar:

NM_147127.5(EVC2):c.1224C>T (p.Ala408=)

Genes: EVC2 (EvC ciliary complex subunit 2; minus strand), LOC126806961 (BRD4-independent group 4 enhancer GRCh37_chr4:5641443-5642642; plus strand). Cytogenetic location: 4p16.2.
Variant type: single nucleotide variant.
Coding change: c.1224C>T on transcript NM_147127.5 (MANE Select); coding-DNA position 1224, C replaced by T.
Protein change: p.Ala408=; no amino-acid change (alanine 408 retained).
Molecular consequence: synonymous variant.
Genome position (GRCh38, 1-based): chr4:5,640,760, G>A on the plus strand (C>T on the coding strand, the complement: EVC2 is on the minus strand). VCF-style: chr4-5640760-G-A. GRCh37 (hg19) VCF-style: chr4-5642487-G-A.
Other names: c.984C>T, p.Ala328= (NM_001166136.2).
Identifiers: ClinVar variation 349088 (VCV000349088.23), dbSNP rs114629810, ClinGen allele CA2835111.

ClinVar aggregate classification (germline): Benign/Likely benign. Review status: criteria provided, multiple submitters, no conflicts (2 of 4 stars). 5 submissions from 5 submitters: Benign (2); Likely benign (3). Last evaluated 2026-02-04.

Conditions:
Ellis-van Creveld syndrome (EVC). Also called: MESOECTODERMAL DYSPLASIA; Chondroectodermal dysplasia. Identifiers: Orphanet 289, MedGen C0013903, MONDO:0009162, OMIM 225500.
Curry-Hall syndrome (WAD). Also called: WEYERS ACRODENTAL DYSOSTOSIS. Identifiers: Orphanet 952, MedGen C0457013, MONDO:0008673, OMIM 193530.

Allele frequency attached by ClinVar (database versions not stated): gnomAD exomes 0.00026 and 0.00074; ExAC 0.00094; gnomAD 0.00313 and 0.00334; TOPMed 0.00333; 1000 Genomes Project 0.00359; ESP Exome Variant Server 0.00384; 1000 Genomes Project 30x 0.00422.
gnomAD v4.1: 873 of 1,614,144 alleles (0.054%); highest among the groups gnomAD compares: African/African-American, 1%; 3 homozygotes.

Submissions (5):

Labcorp Genetics (formerly Invitae), Labcorp
Classification: Benign for Curry-Hall syndrome; Ellis-van Creveld syndrome. Last evaluated: 2026-02-04. Review status: criteria provided, single submitter. Criteria: Invitae Variant Classification Sherloc (09022015). Collection method: clinical testing. Allele origin: germline.

Blueprint Genetics
Classification: Likely benign. Last evaluated: 2024-07-05. Review status: criteria provided, single submitter. Criteria: ACMG Guidelines, 2015. Collection method: clinical testing. Allele origin: germline.

Illumina Laboratory Services, Illumina
Classification: Likely benign for Ellis-van Creveld syndrome. Last evaluated: 2018-01-13. Review status: criteria provided, single submitter. Criteria: ICSL Variant Classification Criteria 13 December 2019. Collection method: clinical testing. Allele origin: germline.
Comment: This variant was observed in the ICSL laboratory as part of a predisposition screen in an ostensibly healthy population. It had not been previously curated by ICSL or reported in the Human Gene Mutation Database (HGMD: prior to June 1st, 2018), and was therefore a candidate for classification through an automated scoring system. Utilizing variant allele frequency, disease prevalence and penetrance estimates, and inheritance mode, an automated score was calculated to assess if this variant is too frequent to cause the disease. Based on the score and internal cut-off values, a variant classified as likely benign is not then subjected to further curation. The score for this variant resulted in a classification of likely benign for this disease.

ARUP Laboratories, Molecular Genetics and Genomics, ARUP Laboratories
Classification: Benign. Last evaluated: 2017-10-25. Review status: criteria provided, single submitter. Criteria: ARUP Molecular Germline Variant Investigation Process. Collection method: clinical testing. Allele origin: germline.

GeneDx
Classification: Likely benign. Last evaluated: 2016-08-26. Review status: criteria provided, single submitter. Criteria: GeneDx Variant Classification (06012015). Collection method: clinical testing. Allele origin: germline. Affected: yes.
Comment: This variant is considered likely benign or benign based on one or more of the following criteria: it is a conservative change, it occurs at a poorly conserved position in the protein, it is predicted to be benign by multiple in silico algorithms, and/or has population frequency not consistent with disease.